The following is an entry in ClinVar:

NM_001070.5(TUBG1):c.1226G>A (p.Arg409His)

Gene: TUBG1 (tubulin gamma 1; plus strand). Cytogenetic location: 17q21.2.
Variant type: single nucleotide variant.
Coding change: c.1226G>A on transcript NM_001070.5 (MANE Select); coding-DNA position 1226, G replaced by A.
Protein change: p.Arg409His; replaces arginine 409 with histidine.
Molecular consequence: missense variant.
Genome position (GRCh38, 1-based): chr17:42,614,911, G>A. VCF-style: chr17-42614911-G-A. GRCh37 (hg19) VCF-style: chr17-40766929-G-A.
Other names: short protein forms R409H.
Identifiers: ClinVar variation 4888437 (VCV004888437.1).
Genomic context (GRCh38, chr17:42,614,911, plus strand): 5'-AGAGAACCTGTCGCCAGTATGACAAGCTGCGTAAGCGGGAGGCCTTCCTGGAGCAGTTCC[G>A]CAAGGAGGACATGTTCAAGGACAACTTTGATGAGATGGACACATCCAGGGAGATTGTGCA-3'
Protein context (NP_001061.2, residues 399-419): RKREAFLEQF[Arg409His]KEDMFKDNFD

ClinVar aggregate classification (germline): Uncertain significance (1 of 4 stars; one submission).

Conditions:
Complex cortical dysplasia with other brain malformations 4. Identifiers: MedGen C3809420, MONDO:0014171, OMIM 615412.

gnomAD v4.1: 3 of 1,614,214 alleles (0.00019%); highest among the groups gnomAD compares: East Asian, 0.0022%; no homozygotes.

Submission:

MVZ Praenatalmedizin und Genetik Nuernberg
Classification: Uncertain significance for Complex cortical dysplasia with other brain malformations 4. Last evaluated: 2026-03-16. Review status: criteria provided, single submitter. Criteria: ACMG Guidelines, 2015. Collection method: clinical testing. Allele origin: germline.
Comment: This very rare variant (gnomAD v4: 3/1614214 alleles) has not yet been described in the ClinVar database. The literature review yielded no additional information. Computer-based predictions (in silico) conducted for this purpose yield inconsistent results and thus do not allow for a definitive assessment. Pathogenic variants in the TUGB1 gene are associated with autosomal dominant complex cortical dysplasia (OMIM 615412). In summary, based on the current data, we assess this to be a variant of uncertain clinical significance (VUS).